The following is an entry in ClinVar:

NM_024675.4(PALB2):c.212-6C>G

Gene: PALB2 (partner and localizer of BRCA2; minus strand). Cytogenetic location: 16p12.2.
Variant type: single nucleotide variant.
Coding change: c.212-6C>G on transcript NM_024675.4 (MANE Select); 6 bases into the intron before coding-DNA position 212, C replaced by G.
Molecular consequence: intron variant.
Genome position (GRCh38, 1-based): chr16:23,636,340, G>C on the plus strand (C>G on the coding strand, the complement: PALB2 is on the minus strand). VCF-style: chr16-23636340-G-C. GRCh37 (hg19) VCF-style: chr16-23647661-G-C.
Other names: c.-674-6C>G (NM_001407308.1, NM_001407306.1, NM_001407307.1 and 5 more transcripts); c.48+4770C>G (NM_001407314.1); c.-105+4770C>G (NM_001407313.1, NM_001407312.1); c.152-6C>G (NM_001407296.1); c.212-6C>G (NM_001407297.1, NM_001407302.1, NM_001407298.1 and 3 more transcripts).
Identifiers: ClinVar variation 3904056 (VCV003904056.1).

ClinVar aggregate classification (germline): Likely benign (1 of 4 stars; one submission).

Conditions:
Familial cancer of breast. Also called: Hereditary breast cancer; hereditary breast carcinoma; BREAST CANCER, FAMILIAL. Identifiers: Orphanet 227535, MedGen C0346153, MONDO:0016419, OMIM 114480. Disease mechanism: loss of function.

Submission:

Myriad Genetics, Inc.
Classification: Likely benign for Familial cancer of breast. Last evaluated: 2025-01-10. Review status: criteria provided, single submitter. Criteria: Myriad Autosomal Dominant, Autosomal Recessive and X-Linked Classification Criteria (2023). Collection method: clinical testing. Allele origin: unknown.
Comment: This variant is considered likely benign. This variant is intronic and is not expected to impact mRNA splicing.